The following is an entry in ClinVar:

NM_000018.4(ACADVL):c.1357C>T (p.Arg453Ter)

Gene: ACADVL (acyl-CoA dehydrogenase very long chain; plus strand). Cytogenetic location: 17p13.1.
Variant type: single nucleotide variant.
Coding change: c.1357C>T on transcript NM_000018.4 (MANE Select); coding-DNA position 1357, C replaced by T.
Protein change: p.Arg453Ter; replaces arginine 453 with a stop codon.
Molecular consequence: nonsense.
Genome position (GRCh38, 1-based): chr17:7,223,992, C>T. VCF-style: chr17-7223992-C-T. GRCh37 (hg19) VCF-style: chr17-7127311-C-T.
Other names: NM_000018.4(ACADVL):c.1357C>T; p.Arg453Ter; c.1291C>T, p.Arg431Ter (NM_001033859.3); c.1426C>T, p.Arg476Ter (NM_001270447.2); c.1129C>T, p.Arg377Ter (NM_001270448.2); short protein forms R453*, R431*, R476*, R377*.
Identifiers: ClinVar variation 194317 (VCV000194317.29), dbSNP rs794727113, ClinGen allele CA274997.
Genomic context (GRCh38, chr17:7,223,992, plus strand): 5'-CAGCACGGGCATATAATTTGTGTGGCCCTGTGCTAGGAACCTGGAGTAGAGCGTGTGCTC[C>T]GAGATCTTCGCATCTTCCGGATCTTTGAGGGGACAAATGACATTCTTCGGCTGTTTGTGG-3'

ClinVar aggregate classification (germline): Pathogenic. Review status: reviewed by expert panel (3 of 4 stars). 9 submissions from 9 submitters: Pathogenic (1). 8 of the submissions do not count toward it. Last evaluated 2022-12-15.

Conditions:
ACADVL-related disorder. Also called: ACADVL-related condition.
Very long chain acyl-CoA dehydrogenase deficiency (ACADVLD). Also called: VLCAD Deficiency; Very Long-Chain Acyl-Coenzyme A Dehydrogenase Deficiency. Identifiers: Orphanet 26793, MedGen C3887523, MONDO:0008723, OMIM 201475.

Allele frequency attached by ClinVar (database versions not stated): gnomAD exomes below 0.00001 and 0.00001; gnomAD 0.00001; TOPMed 0.00001.
gnomAD v4.1: 11 of 1,613,912 alleles (0.00068%); highest among the groups gnomAD compares: Admixed American, 0.0017%; no homozygotes.

Submissions (9):

ClinGen ACADVL Variant Curation Expert Panel, ClinGen
Classification: Pathogenic for Very long chain acyl-CoA dehydrogenase deficiency. Last evaluated: 2022-12-15. Review status: reviewed by expert panel. Criteria: clingen acadvl acmg specifications v1. Collection method: curation. Allele origin: germline. Inheritance: Autosomal recessive inheritance.
Comment: The NM_000018.4(ACADVL):c.1357C>T (p.Arg453Ter) variant in ACADVL is a nonsense predicted to cause a premature stop codon in biologically relevant exon 14/20 leading to nonsense mediated decay in a gene in which loss-of-function is an established disease mechanism (PVS1: PMIDs 9973285, 11590124). This variant was detected and confirmed in-trans with the pathogenic c.1349G>A (p.R450H) in a patient with VLCAD-deficiency (PM3, PMID:33150772). This variant was also reported in one patient with a positive newborn screen for VLCAD-deficiency (PMID:26385305). The highest population minor allele frequency in gnomAD v2.1.1 is 0.00003 in the Latino population, which is lower than the ClinGen ACADVL Variant Curation Expert Panel threshold (<0.001) for PM2_Supporting (PM2_Supporting). The ACADVL Variant Curation Expert Panel VCEP classified the variant as pathogenic based on PVS1,PM3,PM2_Supporting.

Baylor Genetics
Classification: Pathogenic for Very long chain acyl-CoA dehydrogenase deficiency. Last evaluated: 2024-03-24. Review status: criteria provided, single submitter. Criteria: ACMG Guidelines, 2015. Collection method: clinical testing. Allele origin: unknown. Not counted in ClinVar's aggregate classification.

Blueprint Genetics
Classification: Pathogenic for ACADVL-related disorders. Last evaluated: 2024-02-23. Review status: criteria provided, single submitter. Criteria: ACMG Guidelines, 2015. Collection method: clinical testing. Allele origin: germline. Affected: yes. Observed: 2 variant alleles. Not counted in ClinVar's aggregate classification.

Labcorp Genetics (formerly Invitae), Labcorp
Classification: Pathogenic for Very long chain acyl-CoA dehydrogenase deficiency. Last evaluated: 2023-10-14. Review status: criteria provided, single submitter. Criteria: Invitae Variant Classification Sherloc (09022015). Collection method: clinical testing. Allele origin: germline. Not counted in ClinVar's aggregate classification.
Comment: This sequence change creates a premature translational stop signal (p.Arg453*) in the ACADVL gene. It is expected to result in an absent or disrupted protein product. Loss-of-function variants in ACADVL are known to be pathogenic (PMID: 9973285, 11590124). This variant is present in population databases (rs794727113, gnomAD 0.003%). This premature translational stop signal has been observed in individual(s) with very long-chain acyl-CoA dehydrogenase deficiency (PMID: 17999356). ClinVar contains an entry for this variant (Variation ID: 194317). For these reasons, this variant has been classified as Pathogenic.

Revvity Omics, Revvity
Classification: Pathogenic for Very long chain acyl-CoA dehydrogenase deficiency. Last evaluated: 2022-09-28. Review status: criteria provided, single submitter. Criteria: ACMG Guidelines, 2015. Collection method: clinical testing. Allele origin: germline. Not counted in ClinVar's aggregate classification.

Wong Mito Lab, Molecular and Human Genetics, Baylor College of Medicine
Classification: Pathogenic for Very long chain acyl-CoA dehydrogenase deficiency. Last evaluated: 2019-11-01. Review status: criteria provided, single submitter. Criteria: ACMG Guidelines, 2015. Collection method: clinical testing. Allele origin: germline. Not counted in ClinVar's aggregate classification.
Comment: The NM_000018.3:c.1357C>T (NP_000009.1:p.Arg453Ter) [GRCH38: NC_000017.11:g.7223992C>T] variant in ACADVL gene is interpretated to be Pathogenic based on ACMG guidelines (PMID: 25741868). This variant has been reported. This variant meets the following evidence codes reported in the ACMG guidelines: PVS1, PS3

Eurofins Ntd Llc (ga)
Classification: Pathogenic. Last evaluated: 2014-12-15. Review status: criteria provided, single submitter. Criteria: EGL Classification Definitions 2015. Collection method: clinical testing. Allele origin: germline. Observed: 1 variant allele, 1 heterozygote. Not counted in ClinVar's aggregate classification.

Natera, Inc.
Classification: Pathogenic for Very long chain acyl-CoA dehydrogenase deficiency. Last evaluated: 2020-12-31. Review status: no assertion criteria provided. Collection method: clinical testing. Allele origin: germline. Not counted in ClinVar's aggregate classification.

Counsyl
Classification: Likely pathogenic for Very long chain acyl-CoA dehydrogenase deficiency. Last evaluated: 2016-07-12. Review status: no assertion criteria provided. Collection method: clinical testing. Allele origin: unknown. Not counted in ClinVar's aggregate classification.

Literature cited by the submitters: PubMed 9973285 (cited by Labcorp Genetics (formerly Invitae), Labcorp); PubMed 11590124 (cited by Labcorp Genetics (formerly Invitae), Labcorp); PubMed 17999356 (cited by Labcorp Genetics (formerly Invitae), Labcorp and Counsyl); PubMed 26385305 (cited by Counsyl).